The following is an entry in ClinVar:

NM_031407.7(HUWE1):c.3520C>G (p.Leu1174Val)

Gene: HUWE1 (HECT, UBA and WWE domain containing E3 ubiquitin protein ligase 1; minus strand). Cytogenetic location: Xp11.22.
Variant type: single nucleotide variant.
Coding change: c.3520C>G on transcript NM_031407.7 (MANE Select); coding-DNA position 3520, C replaced by G.
Protein change: p.Leu1174Val; replaces leucine 1174 with valine.
Molecular consequence: missense variant.
Genome position (GRCh38, 1-based): chrX:53,593,585, G>C on the plus strand (C>G on the coding strand, the complement: HUWE1 is on the minus strand). VCF-style: chrX-53593585-G-C. GRCh37 (hg19) VCF-style: chrX-53620545-G-C.
Other names: short protein forms L1174V.
Identifiers: ClinVar variation 521324 (VCV000521324.10), dbSNP rs782356520, ClinGen allele CA10422554.
Genomic context (GRCh38, chrX:53,593,585, plus strand): 5'-CATCAGGCAAGTCTGAGTGTTCCAATCCCTCAGAAACAGGAACTTTACCTCCCATGGACA[G>C]AGCCCAGTTGAAAGTTCTAAATTCAAATAAGGAAAAGTAGACAGAATATTAGTATTTTAC-3'
Protein context (NP_113584.3, residues 1164-1184): NALFETFNWA[Leu1174Val]SMGGKVPVSE

ClinVar aggregate classification (germline): Conflicting classifications of pathogenicity. Review status: criteria provided, conflicting classifications (1 of 4 stars). 3 submissions from 3 submitters: Uncertain significance (2); Likely benign (1). Last evaluated 2025-12-13.

Conditions:
Inborn genetic diseases. Identifiers: MedGen C0950123, MeSH D030342.

Allele frequency attached by ClinVar (database versions not stated): gnomAD exomes 0.00003 and 0.00001; TOPMed 0.00001; gnomAD 0.00001; ExAC 0.00002.
gnomAD v4.1: 14 of 1,200,438 alleles (0.0012%); highest among the groups gnomAD compares: Admixed American, 0.0044%; no homozygotes.

Submissions (3):

Labcorp Genetics (formerly Invitae), Labcorp
Classification: Uncertain significance. Last evaluated: 2025-12-13. Review status: criteria provided, single submitter. Criteria: Invitae Variant Classification Sherloc (09022015). Collection method: clinical testing. Allele origin: germline.
Comment: This sequence change replaces leucine, which is neutral and non-polar, with valine, which is neutral and non-polar, at codon 1174 of the HUWE1 protein (p.Leu1174Val). This variant is present in population databases (rs782356520, gnomAD 0.008%), including at least one homozygous and/or hemizygous individual. This variant has not been reported in the literature in individuals affected with HUWE1-related conditions. ClinVar contains an entry for this variant (Variation ID: 521324). Invitae Evidence Modeling of protein sequence and biophysical properties (such as structural, functional, and spatial information, amino acid conservation, physicochemical variation, residue mobility, and thermodynamic stability) has been performed for this missense variant. However, the output from this modeling did not meet the statistical confidence thresholds required to predict the impact of this variant on HUWE1 protein function. In summary, the available evidence is currently insufficient to determine the role of this variant in disease. Therefore, it has been classified as a Variant of Uncertain Significance.

Ambry Genetics
Classification: Uncertain significance for Inborn genetic diseases. Last evaluated: 2021-05-25. Review status: criteria provided, single submitter. Criteria: Ambry Variant Classification Scheme 2023. Collection method: clinical testing. Allele origin: germline.
Comment: The c.3520C>G (p.L1174V) alteration is located in exon 32 (coding exon 29) of the HUWE1 gene. This alteration results from a C to G substitution at nucleotide position 3520, causing the leucine (L) at amino acid position 1174 to be replaced by a valine (V). Based on data from the Genome Aggregation Database (gnomAD) database, the HUWE1 c.3520C>G alteration was observed in 0.003% (5/182,105) of total alleles studied, with a frequency of 0.007% (2/27,384) in the Latino subpopulation. This amino acid position is highly conserved in available vertebrate species. The p.L1174V alteration is predicted to be tolerated by in silico analysis. Based on insufficient or conflicting evidence, the clinical significance of this alteration remains unclear.

GeneDx
Classification: Likely benign. Last evaluated: 2020-12-01. Review status: criteria provided, single submitter. Criteria: GeneDx Variant Classification Process June 2021. Collection method: clinical testing. Allele origin: germline. Affected: yes.